The following is an entry in ClinVar:

ClinVar aggregate classification (germline): Uncertain significance (1 of 4 stars; one submission).

Conditions:
Singleton-Merten syndrome 1 (SGMRT1). Also called: Widened medullary cavities of bone, aortic calcification, abnormal dentition, and muscular weakness; Syndrome of widened medullary cavities of the metacarpals and phalanges, aortic calcification and abnormal dentition. Identifiers: Orphanet 85191, MedGen C4225427, MONDO:0024535, OMIM 182250.
Aicardi-Goutieres syndrome 7 (AGS7). Identifiers: Orphanet 51, MedGen C3888244, MONDO:0014367, OMIM 615846.

Submission:

Labcorp Genetics (formerly Invitae), Labcorp
Classification: Uncertain significance for Aicardi-Goutieres syndrome 7; Singleton-Merten syndrome 1. Last evaluated: 2023-08-30. Review status: criteria provided, single submitter. Criteria: Invitae Variant Classification Sherloc (09022015). Collection method: clinical testing. Allele origin: germline.
Comment: This variant has not been reported in the literature in individuals affected with IFIH1-related conditions. In summary, the available evidence is currently insufficient to determine the role of this variant in disease. Therefore, it has been classified as a Variant of Uncertain Significance. Advanced modeling of protein sequence and biophysical properties (such as structural, functional, and spatial information, amino acid conservation, physicochemical variation, residue mobility, and thermodynamic stability) has been performed at Invitae for this missense variant, however the output from this modeling did not meet the statistical confidence thresholds required to predict the impact of this variant on IFIH1 protein function. ClinVar contains an entry for this variant (Variation ID: 2106759). This variant is not present in population databases (gnomAD no frequency). This sequence change replaces aspartic acid, which is acidic and polar, with histidine, which is basic and polar, at codon 978 of the IFIH1 protein (p.Asp978His).

NM_022168.4(IFIH1):c.2932G>C (p.Asp978His)

Gene: IFIH1 (interferon induced with helicase C domain 1; minus strand). Cytogenetic location: 2q24.2.
Variant type: single nucleotide variant.
Coding change: c.2932G>C on transcript NM_022168.4 (MANE Select); coding-DNA position 2932, G replaced by C.
Protein change: p.Asp978His; replaces aspartic acid 978 with histidine.
Molecular consequence: missense variant.
Genome position (GRCh38, 1-based): chr2:162,267,346, C>G on the plus strand (G>C on the coding strand, the complement: IFIH1 is on the minus strand). VCF-style: chr2-162267346-C-G. GRCh37 (hg19) VCF-style: chr2-163123856-C-G.
Other names: short protein forms D978H.
Identifiers: ClinVar variation 2106759 (VCV002106759.4), dbSNP rs2468943092, ClinGen allele CA348989277.